The following is an entry in ClinVar:

NM_000388.4(CASR):c.25del (p.Val9fs)

Gene: CASR (calcium sensing receptor; plus strand). Cytogenetic location: 3q21.1.
Variant type: Deletion.
Coding change: c.25del on transcript NM_000388.4 (MANE Select); coding-DNA position 25, one base deleted (G; older notation c.25delG).
Protein change: p.Val9fs; shifts the reading frame from valine 9.
Molecular consequence: frameshift variant.
Genome position (GRCh38, 1-based): chr3:122,254,214, G deleted; the last of 3 consecutive G bases (chr3:122,254,212-122,254,214); deleting any one gives the same sequence. VCF-style (leftmost placement, unchanged base first): chr3-122254211-TG-T. GRCh37 (hg19) VCF-style: chr3-121973058-TG-T.
Other names: c.25del, p.Val9fs (NM_001178065.2); short protein forms V9fs.
Identifiers: ClinVar variation 4890883 (VCV004890883.1).

ClinVar aggregate classification (germline): Pathogenic (1 of 4 stars; one submission).

Conditions:
Familial hyperparathyroidism or Hypocalciuric hypercalcaemia.

Submission:

Cambridge Genomics Laboratory, East Genomic Laboratory Hub, NHS Genomic Medicine Service
Classification: Pathogenic for Familial hyperparathyroidism or Hypocalciuric hypercalcaemia. Last evaluated: 2026-08-14. Review status: criteria provided, single submitter. Criteria: ACGS Best Practice Guidelines for Variant Classification in Rare Disease 2020. Collection method: clinical testing. Allele origin: germline. Affected: yes.
Comment: PVS1,PM2,PP4